The following is an entry in ClinVar:

ClinVar aggregate classification (germline): Uncertain significance (1 of 4 stars; one submission).

Submission:

Labcorp Genetics (formerly Invitae), Labcorp
Classification: Uncertain significance. Last evaluated: 2022-08-28. Review status: criteria provided, single submitter. Criteria: Invitae Variant Classification Sherloc (09022015). Collection method: clinical testing. Allele origin: germline.
Comment: In summary, the available evidence is currently insufficient to determine the role of this variant in disease. Therefore, it has been classified as a Variant of Uncertain Significance. Algorithms developed to predict the effect of missense changes on protein structure and function are either unavailable or do not agree on the potential impact of this missense change (SIFT: "Deleterious"; PolyPhen-2: "Probably Damaging"; Align-GVGD: "Class C0"). This variant has not been reported in the literature in individuals affected with FSCN2-related conditions. This variant is not present in population databases (gnomAD no frequency). This sequence change replaces arginine, which is basic and polar, with leucine, which is neutral and non-polar, at codon 99 of the FSCN2 protein (p.Arg99Leu).

NM_012418.4(FSCN2):c.296G>T (p.Arg99Leu)

Gene: FSCN2 (fascin actin-bundling protein 2, retinal; plus strand). Cytogenetic location: 17q25.3.
Variant type: single nucleotide variant.
Coding change: c.296G>T on transcript NM_012418.4 (MANE Select); coding-DNA position 296, G replaced by T.
Protein change: p.Arg99Leu; replaces arginine 99 with leucine.
Molecular consequence: missense variant.
Genome position (GRCh38, 1-based): chr17:81,528,827, G>T. VCF-style: chr17-81528827-G-T. GRCh37 (hg19) VCF-style: chr17-79495853-G-T.
Other names: c.296G>T, p.Arg99Leu (NM_001077182.3); short protein forms R99L.
Identifiers: ClinVar variation 2003162 (VCV002003162.4), dbSNP rs782165857, ClinGen allele CA401470463.